The following is an entry in ClinVar:

ClinVar aggregate classification (germline): Pathogenic/Likely pathogenic. Review status: criteria provided, multiple submitters, no conflicts (2 of 4 stars). 7 submissions from 7 submitters: Pathogenic (4); Likely pathogenic (2). 1 of the submissions does not count toward it. Last evaluated 2025-01-22.

Conditions:
GALT-related disorder. Also called: GALT-related condition.
Galactosemia. Also called: Galactose intolerance. Identifiers: Orphanet 352, MedGen C0016952, MONDO:0018116, HP:0004919. Disease mechanism: loss of function.
Deficiency of UDPglucose-hexose-1-phosphate uridylyltransferase. Also called: GALACTOSE-1-PHOSPHATE URIDYLYLTRANSFERASE DEFICIENCY; Transferase Deficiency Galactosemia; GALACTOSEMIA I; GALT deficiency; Galactosemia, classic. Identifiers: Orphanet 352, Orphanet 79239, MedGen C0268151, MONDO:0009258, OMIM 230400.

Allele frequency attached by ClinVar (database versions not stated): gnomAD exomes 0.00001 and below 0.00001; ExAC 0.00001.
gnomAD v4.1: 5 of 1,614,082 alleles (0.00031%); highest among the groups gnomAD compares: East Asian, 0.0045%; no homozygotes.

Submissions (7):

Natera, Inc.
Classification: Likely pathogenic for Galactosemia. Last evaluated: 2025-01-22. Review status: criteria provided, single submitter. Criteria: Natera Variant Classification Schema (03/2026). Collection method: clinical testing. Allele origin: germline.
Comment: The c.290A>G variant in GALT is a missense variant predicted to cause substitution of asparagine to serine at amino acid 97. This variant is rare in the general population with a frequency below the threshold expected for the associated phenotype(s). This variant has been observed in one or more individuals affected with the associated recessive disease, as either homozygous or compound heterozygous with a second variant (PMID: 7550229, 15633893, 21779791). This variant has been identified in one or more affected individual with a phenotype highly consistent with the associated gene (PMID: 7550229, 15633893, 21779791). Functional studies show that this variant may disrupt protein function (PMID: 7550229). Computational prediction algorithms indicate this variant is likely to affect gene or protein function. Given the available evidence, this variant is classified as Likely Pathogenic.

Labcorp Genetics (formerly Invitae), Labcorp
Classification: Pathogenic for Deficiency of UDPglucose-hexose-1-phosphate uridylyltransferase. Last evaluated: 2023-11-19. Review status: criteria provided, single submitter. Criteria: Invitae Variant Classification Sherloc (09022015). Collection method: clinical testing. Allele origin: germline.
Comment: This sequence change replaces asparagine, which is neutral and polar, with serine, which is neutral and polar, at codon 97 of the GALT protein (p.Asn97Ser). This variant is present in population databases (rs111033669, gnomAD 0.0009%). This missense change has been observed in individual(s) with classic galactosemia (PMID: 7550229, 15633893). This variant is also known as 318A>G. ClinVar contains an entry for this variant (Variation ID: 25146). Advanced modeling of protein sequence and biophysical properties (such as structural, functional, and spatial information, amino acid conservation, physicochemical variation, residue mobility, and thermodynamic stability) performed at Invitae indicates that this missense variant is expected to disrupt GALT protein function with a positive predictive value of 95%. Algorithms developed to predict the effect of sequence changes on RNA splicing suggest that this variant may disrupt the consensus splice site. This variant disrupts the p.Asn97 amino acid residue in GALT. Other variant(s) that disrupt this residue have been observed in individuals with GALT-related conditions (PMID: 22944367), which suggests that this may be a clinically significant amino acid residue. For these reasons, this variant has been classified as Pathogenic.

Baylor Genetics
Classification: Pathogenic for Deficiency of UDPglucose-hexose-1-phosphate uridylyltransferase. Last evaluated: 2023-07-22. Review status: criteria provided, single submitter. Criteria: ACMG Guidelines, 2015. Collection method: clinical testing. Allele origin: unknown.

Revvity Omics, Revvity
Classification: Likely pathogenic for Deficiency of UDPglucose-hexose-1-phosphate uridylyltransferase. Last evaluated: 2022-03-28. Review status: criteria provided, single submitter. Criteria: ACMG Guidelines, 2015. Collection method: clinical testing. Allele origin: germline.

Women's Health and Genetics/Laboratory Corporation of America, LabCorp
Classification: Pathogenic for Deficiency of UDPglucose-hexose-1-phosphate uridylyltransferase. Last evaluated: 2019-09-06. Review status: criteria provided, single submitter. Criteria: LabCorp Variant Classification Summary - May 2015. Collection method: clinical testing. Allele origin: germline.
Comment: Variant summary: GALT c.290A>G (p.Asn97Ser, legacy name c.318A>G) results in a conservative amino acid change located in the Galactose-1-phosphate uridyl transferase, N-terminal domain (IPR005849) of the encoded protein sequence. Four of five in-silico tools predict a damaging effect of the variant on protein function. Several computational tools predict a significant impact on normal splicing: Five predict the variant creates a cryptic 3 acceptor site. A functional study, Ashino_1995 found the variant supports these predictions. The variant allele was found at a frequency of 4e-06 in 251494 control chromosomes (gnomAD). c.290A>G has been reported in the literature in individuals affected with Galactosemia (eg. Ashino_1995, Shin_2004, Waisbren_2012). These data indicate that the variant is likely to be associated with disease. At least one publication reports experimental evidence evaluating an impact on protein function. The most pronounced variant effect results in <10% of normal activity (eg. Ashino_1995). A ClinVar submission (evaluation after 2014) cites the variant as likely pathogenic. Furthermore, another variant affecting the same codon, N97D, and nearby codons, F95L, D98N, D98H, have been reported in association with Galactosaemia (via HGMD). Therefore, suggesting this region is important for GALT protein function. Based on the evidence outlined above, the variant was classified as pathogenic.

Eurofins Ntd Llc (ga)
Classification: Pathogenic. Last evaluated: 2013-01-17. Review status: criteria provided, single submitter. Criteria: EGL Classification Definitions 2015. Collection method: clinical testing. Allele origin: germline. Observed: 1 variant allele, 1 heterozygote.

PreventionGenetics, part of Exact Sciences
Classification: Pathogenic for GALT-related condition. Last evaluated: 2024-05-10. Review status: no assertion criteria provided. Collection method: clinical testing. Allele origin: germline. Not counted in ClinVar's aggregate classification.
Comment: The GALT c.290A>G variant is predicted to result in the amino acid substitution p.Asn97Ser. This variant, also referred to as c.318A>G using legacy nomenclature, has been reported in the homozygous and compound heterozygous states in multiple individuals with galactosemia (see for example, Table 1, Ashino et al. 1995. PubMed ID: 7550229; Table 3, Shin and Podskarbi. 2004. PubMed ID: 15633893; Table 2, Waisbren et al. 2011. PubMed ID: 21779791). An RT-PCR study suggests this variant impacts mRNA splicing via using of a cryptic splice acceptor site and leads to a frameshift loss-of-function effect (Figure 2, Ashino et al. 1995. PubMed ID: 7550229). This variant is reported in 0.00088% of alleles in individuals of European (non-Finnish) descent in gnomAD. This variant is interpreted as pathogenic.

Literature cited by the submitters: PubMed 7550229 (cited by 3 submitters); PubMed 15633893 (cited by 3 submitters); PubMed 21779791 (cited by Natera, Inc. and Women's Health and Genetics/Laboratory Corporation of America, LabCorp); PubMed 22944367 (cited by Labcorp Genetics (formerly Invitae), Labcorp); PubMed 10408771 (cited by Women's Health and Genetics/Laboratory Corporation of America, LabCorp); PubMed 20008339 (cited by Women's Health and Genetics/Laboratory Corporation of America, LabCorp); PubMed 10573007 (cited by Women's Health and Genetics/Laboratory Corporation of America, LabCorp); PubMed 20348403 (cited by Women's Health and Genetics/Laboratory Corporation of America, LabCorp).

NM_000155.4(GALT):c.290A>G (p.Asn97Ser)

Gene: GALT (galactose-1-phosphate uridylyltransferase; plus strand). Cytogenetic location: 9p13.3.
Variant type: single nucleotide variant.
Coding change: c.290A>G on transcript NM_000155.4 (MANE Select); coding-DNA position 290, A replaced by G.
Protein change: p.Asn97Ser; replaces asparagine 97 with serine.
Molecular consequence: missense variant. On other transcripts: intron variant (1).
Genome position (GRCh38, 1-based): chr9:34,647,529, A>G. VCF-style: chr9-34647529-A-G. GRCh37 (hg19) VCF-style: chr9-34647526-A-G.
Other names: c.50+271A>G (NM_001258332.2).
Identifiers: ClinVar variation 25146 (VCV000025146.20), dbSNP rs111033669, ClinGen allele CA259355.